The following is an entry in ClinVar:

NM_173825.5(RABL3):c.551G>A (p.Arg184Gln)

Gene: RABL3 (RAB, member of RAS oncogene family like 3; minus strand). Cytogenetic location: 3q13.33.
Variant type: single nucleotide variant.
Coding change: c.551G>A on transcript NM_173825.5 (MANE Select); coding-DNA position 551, G replaced by A.
Protein change: p.Arg184Gln; replaces arginine 184 with glutamine.
Molecular consequence: missense variant. On other transcripts: non-coding transcript variant (1), intron variant (1).
Genome position (GRCh38, 1-based): chr3:120,694,208, C>T on the plus strand (G>A on the coding strand, the complement: RABL3 is on the minus strand). VCF-style: chr3-120694208-C-T. GRCh37 (hg19) VCF-style: chr3-120413055-C-T.
Other names: c.551G>A, p.Arg184Gln (NM_001363965.1); c.535-3721G>A (NM_001363964.1); short protein forms R184Q.
Identifiers: ClinVar variation 3042035 (VCV003042035.2), dbSNP rs61756477, ClinGen allele CA2560479.

ClinVar aggregate classification (germline): Likely benign (0 of 4 stars; one submission).

Conditions:
RABL3-related disorder. Also called: RABL3-related condition.

Allele frequency attached by ClinVar (database versions not stated): ExAC 0.00054; 1000 Genomes Project 0.00060; 1000 Genomes Project 30x 0.00078; TOPMed 0.00088; gnomAD 0.00104; ESP Exome Variant Server 0.00123; gnomAD exomes 0.00152.
gnomAD v4.1: 2,345 of 1,610,670 alleles (0.15%); highest among the groups gnomAD compares: Non-Finnish European, 0.19%; 4 homozygotes.

Submission:

PreventionGenetics, part of Exact Sciences
Classification: Likely benign for RABL3-related condition. Last evaluated: 2022-08-12. Review status: no assertion criteria provided. Collection method: clinical testing. Allele origin: germline.
Comment: This variant is classified as likely benign based on ACMG/AMP sequence variant interpretation guidelines (Richards et al. 2015 PMID: 25741868, with internal and published modifications).